The following is an entry in ClinVar:

NM_015425.6(POLR1A):c.4525C>A (p.His1509Asn)

Gene: POLR1A (RNA polymerase I subunit A; minus strand). Cytogenetic location: 2p11.2.
Variant type: single nucleotide variant.
Coding change: c.4525C>A on transcript NM_015425.6 (MANE Select); coding-DNA position 4525, C replaced by A.
Protein change: p.His1509Asn; replaces histidine 1509 with asparagine.
Molecular consequence: missense variant.
Genome position (GRCh38, 1-based): chr2:86,031,383, G>T on the plus strand (C>A on the coding strand, the complement: POLR1A is on the minus strand). VCF-style: chr2-86031383-G-T. GRCh37 (hg19) VCF-style: chr2-86258506-G-T.
Other names: short protein forms H1509N.
Identifiers: ClinVar variation 3685680 (VCV003685680.2).
Genomic context (GRCh38, chr2:86,031,383, plus strand): 5'-CACTGACCTGGCACCACAGGCTCTCCTCGGTGTCGTACTGGTAGTCATCTATGAACGGGT[G>T]GATCTCACGCACAGCCTGGACCCGGCGCTCCATGGCCTCGGGCCCCTGGGGCTCCTGGCT-3'
Protein context (NP_056240.2, residues 1499-1519): ERRVQAVREI[His1509Asn]PFIDDYQYDT

ClinVar aggregate classification (germline): Uncertain significance (1 of 4 stars; one submission).

gnomAD v4.1: 2 of 1,605,026 alleles (0.00012%); highest among the groups gnomAD compares: Non-Finnish European, 0.00017%; no homozygotes.

Submission:

Labcorp Genetics (formerly Invitae), Labcorp
Classification: Uncertain significance. Last evaluated: 2024-11-28. Review status: criteria provided, single submitter. Criteria: Invitae Variant Classification Sherloc (09022015). Collection method: clinical testing. Allele origin: germline.
Comment: This sequence change replaces histidine, which is basic and polar, with asparagine, which is neutral and polar, at codon 1509 of the POLR1A protein (p.His1509Asn). This variant is not present in population databases (gnomAD no frequency). This variant has not been reported in the literature in individuals affected with POLR1A-related conditions. Invitae Evidence Modeling of protein sequence and biophysical properties (such as structural, functional, and spatial information, amino acid conservation, physicochemical variation, residue mobility, and thermodynamic stability) indicates that this missense variant is not expected to disrupt POLR1A protein function with a negative predictive value of 80%. In summary, the available evidence is currently insufficient to determine the role of this variant in disease. Therefore, it has been classified as a Variant of Uncertain Significance.